The following is an entry in ClinVar:

NM_017780.4(CHD7):c.7122T>G (p.Ile2374Met)

Gene: CHD7 (chromodomain helicase DNA binding protein 7; plus strand). Cytogenetic location: 8q12.2.
Variant type: single nucleotide variant.
Coding change: c.7122T>G on transcript NM_017780.4 (MANE Select); coding-DNA position 7122, T replaced by G.
Protein change: p.Ile2374Met; replaces isoleucine 2374 with methionine.
Molecular consequence: missense variant. On other transcripts: intron variant (1).
Genome position (GRCh38, 1-based): chr8:60,856,160, T>G. VCF-style: chr8-60856160-T-G. GRCh37 (hg19) VCF-style: chr8-61768719-T-G.
Other names: c.1717-6069T>G (NM_001316690.1); short protein forms I2374M.
Identifiers: ClinVar variation 3691699 (VCV003691699.2).

ClinVar aggregate classification (germline): Uncertain significance (1 of 4 stars; one submission).

Conditions:
CHARGE syndrome (CHARGE). Also called: Hittner Hirsch Kreh syndrome; CHARGE ASSOCIATION--COLOBOMA, HEART ANOMALY, CHOANAL ATRESIA, RETARDATION, GENITAL AND EAR ANOMALIES; Coloboma, heart anomaly, choanal atresia, retardation, genital and ear anomalies; CHARGE association; Hall-Hittner syndrome. Identifiers: Orphanet 138, MedGen C0265354, MONDO:0008965.

Submission:

Labcorp Genetics (formerly Invitae), Labcorp
Classification: Uncertain significance for CHARGE syndrome. Last evaluated: 2024-08-27. Review status: criteria provided, single submitter. Criteria: Invitae Variant Classification Sherloc (09022015). Collection method: clinical testing. Allele origin: germline.
Comment: This sequence change replaces isoleucine, which is neutral and non-polar, with methionine, which is neutral and non-polar, at codon 2374 of the CHD7 protein (p.Ile2374Met). This variant is not present in population databases (gnomAD no frequency). This variant has not been reported in the literature in individuals affected with CHD7-related conditions. Invitae Evidence Modeling of protein sequence and biophysical properties (such as structural, functional, and spatial information, amino acid conservation, physicochemical variation, residue mobility, and thermodynamic stability) indicates that this missense variant is not expected to disrupt CHD7 protein function with a negative predictive value of 95%. In summary, the available evidence is currently insufficient to determine the role of this variant in disease. Therefore, it has been classified as a Variant of Uncertain Significance.